The following is an entry in ClinVar:

NM_000135.4(FANCA):c.2035G>A (p.Val679Met)

Gene: FANCA (FA complementation group A; minus strand). Cytogenetic location: 16q24.3.
Variant type: single nucleotide variant.
Coding change: c.2035G>A on transcript NM_000135.4 (MANE Select); coding-DNA position 2035, G replaced by A.
Protein change: p.Val679Met; replaces valine 679 with methionine.
Molecular consequence: missense variant.
Genome position (GRCh38, 1-based): chr16:89,771,794, C>T on the plus strand (G>A on the coding strand, the complement: FANCA is on the minus strand). VCF-style: chr16-89771794-C-T. GRCh37 (hg19) VCF-style: chr16-89838202-C-T.
Other names: c.2035G>A, p.Val679Met (NM_001286167.3); short protein forms V679M.
Identifiers: ClinVar variation 4022209 (VCV004022209.1).

ClinVar aggregate classification (germline): Uncertain significance (1 of 4 stars; one submission).

Conditions:
Inborn genetic diseases. Identifiers: MedGen C0950123, MeSH D030342.

Submission:

Ambry Genetics
Classification: Uncertain significance for Inborn genetic diseases. Last evaluated: 2025-04-19. Review status: criteria provided, single submitter. Criteria: Ambry Variant Classification Scheme 2023. Collection method: clinical testing. Allele origin: germline.
Comment: The p.V679M variant (also known as c.2035G>A), located in coding exon 23 of the FANCA gene, results from a G to A substitution at nucleotide position 2035. The valine at codon 679 is replaced by methionine, an amino acid with highly similar properties. This amino acid position is conserved. In addition, this alteration is predicted to be tolerated by in silico analysis. Based on the available evidence, the clinical significance of this variant remains unclear.